The following is an entry in ClinVar:

ClinVar aggregate classification (germline): Uncertain significance (1 of 4 stars; one submission).

Conditions:
Kabuki syndrome 2 (KABUK2). Also called: KDM6A-Related Kabuki Syndrome. Identifiers: Orphanet 2322, MedGen C3275495, MONDO:0010465, OMIM 300867.

Submission:

Labcorp Genetics (formerly Invitae), Labcorp
Classification: Uncertain significance for Kabuki syndrome 2. Last evaluated: 2023-03-04. Review status: criteria provided, single submitter. Criteria: Invitae Variant Classification Sherloc (09022015). Collection method: clinical testing. Allele origin: germline.
Comment: In summary, the available evidence is currently insufficient to determine the role of this variant in disease. Therefore, it has been classified as a Variant of Uncertain Significance. Advanced modeling of protein sequence and biophysical properties (such as structural, functional, and spatial information, amino acid conservation, physicochemical variation, residue mobility, and thermodynamic stability) performed at Invitae indicates that this missense variant is not expected to disrupt KDM6A protein function. This variant has not been reported in the literature in individuals affected with KDM6A-related conditions. This variant is not present in population databases (gnomAD no frequency). This sequence change replaces asparagine, which is neutral and polar, with aspartic acid, which is acidic and polar, at codon 606 of the KDM6A protein (p.Asn606Asp).

NM_001291415.2(KDM6A):c.1972A>G (p.Asn658Asp)

Gene: KDM6A (lysine demethylase 6A; plus strand). Cytogenetic location: Xp11.3.
Variant type: single nucleotide variant.
Coding change: c.1972A>G on transcript NM_001291415.2 (MANE Select); coding-DNA position 1972, A replaced by G.
Protein change: p.Asn658Asp; replaces asparagine 658 with aspartic acid.
Molecular consequence: missense variant. On other transcripts: non-coding transcript variant (1).
Genome position (GRCh38, 1-based): chrX:45,063,710, A>G. VCF-style: chrX-45063710-A-G. GRCh37 (hg19) VCF-style: chrX-44922955-A-G.
Other names: c.1837A>G, p.Asn613Asp (NM_001291416.2, NM_001419811.1); c.1681A>G, p.Asn561Asp (NM_001291417.2); c.1579A>G, p.Asn527Asp (NM_001291418.2, NM_001419815.1); c.928A>G, p.Asn310Asp (NM_001291421.2); c.1714A>G, p.Asn572Asp (NM_001410742.1, NM_001419814.1); c.1972A>G, p.Asn658Asp (NM_001419809.1); c.1870A>G, p.Asn624Asp (NM_001419810.1, NM_001419813.1); c.1816A>G, p.Asn606Asp (NM_001419812.1, NM_021140.4); short protein forms N310D, N561D, N613D, N527D, N572D, N606D, N624D, N658D.
Identifiers: ClinVar variation 2842950 (VCV002842950.3), dbSNP rs2147997466, ClinGen allele CA412790222.